The following is an entry in ClinVar:

NM_004415.4(DSP):c.7325_7326del (p.Cys2442fs)

Gene: DSP (desmoplakin; plus strand). Cytogenetic location: 6p24.3.
Variant type: Deletion.
Coding change: c.7325_7326del on transcript NM_004415.4 (MANE Select); coding-DNA positions 7325 to 7326, 2 bases deleted (GT; older notation c.7325_7326delGT).
Protein change: p.Cys2442fs; shifts the reading frame from cysteine 2442.
Molecular consequence: frameshift variant.
Genome position (GRCh38, 1-based): chr6:7,584,587-7,584,588, GT deleted; deleting any 2 consecutive bases within chr6:7,584,586-7,584,588 gives the same sequence; the c. name uses the placement nearest the transcript's 3' end. VCF-style (leftmost placement, unchanged base first): chr6-7584585-CTG-C. GRCh37 (hg19) VCF-style: chr6-7584818-CTG-C.
Other names: c.5528_5529del, p.Cys1843fs (NM_001008844.3); c.5996_5997del, p.Cys1999fs (NM_001319034.2); short protein forms C1843fs, C2442fs, C1999fs.
Identifiers: ClinVar variation 2028117 (VCV002028117.4), dbSNP rs2533945206, ClinGen allele CA2580075359.

ClinVar aggregate classification (germline): Pathogenic (1 of 4 stars; one submission).

Conditions:
Arrhythmogenic cardiomyopathy with wooly hair and keratoderma. Also called: Dilated cardiomyopathy with woolly hair and keratoderma; Carvajal syndrome; Arrhythmogenic cardiomyopathy with woolly hair and keratoderma; PALMOPLANTAR KERATODERMA WITH LEFT VENTRICULAR CARDIOMYOPATHY AND WOOLLY HAIR. Identifiers: Orphanet 65282, MedGen C1854063, MONDO:0011581, OMIM 605676.
Arrhythmogenic right ventricular dysplasia 8 (ARVD8). Also called: Arrhythmogenic Right Ventricular Dysplasia/Cardiomyopathy 8; ARRHYTHMOGENIC RIGHT VENTRICULAR DYSPLASIA, FAMILIAL, 8; ARRHYTHMOGENIC RIGHT VENTRICULAR CARDIOMYOPATHY 8. Identifiers: MedGen C1843896, MONDO:0011831, OMIM 607450.

Submission:

Labcorp Genetics (formerly Invitae), Labcorp
Classification: Pathogenic for Arrhythmogenic cardiomyopathy with wooly hair and keratoderma; Arrhythmogenic right ventricular dysplasia 8. Last evaluated: 2022-08-31. Review status: criteria provided, single submitter. Criteria: Invitae Variant Classification Sherloc (09022015). Collection method: clinical testing. Allele origin: germline.
Comment: This sequence change creates a premature translational stop signal (p.Cys2442Serfs*23) in the DSP gene. While this is not anticipated to result in nonsense mediated decay, it is expected to disrupt the last 430 amino acid(s) of the DSP protein. This variant is not present in population databases (gnomAD no frequency). This variant has not been reported in the literature in individuals affected with DSP-related conditions. This variant disrupts a region of the DSP protein in which other variant(s) (p.Glu2728Glyfs*11) have been determined to be pathogenic (Invitae). This suggests that this is a clinically significant region of the protein, and that variants that disrupt it are likely to be disease-causing. For these reasons, this variant has been classified as Pathogenic.